The following is an entry in ClinVar:

NM_003482.4(KMT2D):c.5437G>A (p.Glu1813Lys)

Gene: KMT2D (lysine methyltransferase 2D; minus strand). Cytogenetic location: 12q13.12.
Variant type: single nucleotide variant.
Coding change: c.5437G>A on transcript NM_003482.4 (MANE Select); coding-DNA position 5437, G replaced by A.
Protein change: p.Glu1813Lys; replaces glutamic acid 1813 with lysine.
Molecular consequence: missense variant.
Genome position (GRCh38, 1-based): chr12:49,043,665, C>T on the plus strand (G>A on the coding strand, the complement: KMT2D is on the minus strand). VCF-style: chr12-49043665-C-T. GRCh37 (hg19) VCF-style: chr12-49437448-C-T.
Other names: short protein forms E1813K.
Identifiers: ClinVar variation 1721764 (VCV001721764.5), dbSNP rs2120571586, ClinGen allele CA384631423.

ClinVar aggregate classification (germline): Uncertain significance (1 of 4 stars; one submission).

Conditions:
Kabuki syndrome. Also called: NIIKAWA-KUROKI SYNDROME; Kabuki make-up syndrome. Identifiers: Orphanet 2322, MedGen C0796004, MONDO:0016512.

Submission:

Labcorp Genetics (formerly Invitae), Labcorp
Classification: Uncertain significance for Kabuki syndrome. Last evaluated: 2022-10-17. Review status: criteria provided, single submitter. Criteria: Invitae Variant Classification Sherloc (09022015). Collection method: clinical testing. Allele origin: germline.
Comment: This variant has not been reported in the literature in individuals affected with KMT2D-related conditions. Advanced modeling of protein sequence and biophysical properties (such as structural, functional, and spatial information, amino acid conservation, physicochemical variation, residue mobility, and thermodynamic stability) performed at Invitae indicates that this missense variant is not expected to disrupt KMT2D protein function. In summary, the available evidence is currently insufficient to determine the role of this variant in disease. Therefore, it has been classified as a Variant of Uncertain Significance. This variant is not present in population databases (gnomAD no frequency). This sequence change replaces glutamic acid, which is acidic and polar, with lysine, which is basic and polar, at codon 1813 of the KMT2D protein (p.Glu1813Lys).